The following is an entry in ClinVar:

ClinVar aggregate classification (germline): Conflicting classifications of pathogenicity. Review status: criteria provided, conflicting classifications (1 of 4 stars). 13 submissions from 10 submitters: Uncertain significance (2); Benign (8); Likely benign (2). 1 of the submissions does not count toward it. Last evaluated 2026-02-04.

Conditions:
Hereditary hyperinsulinism.
Transitory neonatal diabetes mellitus. Also called: Transient neonatal diabetes mellitus. Identifiers: MedGen C0342273, MONDO:0020525, HP:0008255.
Maturity-onset diabetes of the young (MODY). Also called: Maturity onset diabetes mellitus in young. Identifiers: Orphanet 552, MedGen C0342276, MONDO:0018911, HP:0004904.
Permanent neonatal diabetes mellitus (PNDM). Identifiers: Orphanet 99885, MedGen C1833104, MONDO:0100164, MONDO:0011643. Disease mechanism: gain of function.
Diabetes mellitus, transient neonatal, 2 (TNDM2). Identifiers: Orphanet 99886, MedGen C1835887, MONDO:0012480, OMIM 610374. Disease mechanism: loss of function.
Hyperinsulinemic hypoglycemia, familial, 1 (HHF1). Also called: Persistent hyperinsulinemic hypoglycemia of infancy; NESIDIOBLASTOSIS OF PANCREAS; Persistent Hyperinsulinemia Hypoglycemia of Infancy; HYPERINSULINISM, FAMILIAL, WITH PANCREATIC NESIDIOBLASTOSIS; HYPOGLYCEMIA, HYPERINSULINEMIC, OF INFANCY. Identifiers: Orphanet 276575, Orphanet 276598, MedGen C2931832, MONDO:0009734, OMIM 256450.

Allele frequency attached by ClinVar (database versions not stated): gnomAD exomes 0.00223 and 0.00485; ExAC 0.00724; gnomAD 0.00957 and 0.01009; ESP Exome Variant Server 0.00963; TOPMed 0.01146; 1000 Genomes Project 0.01418; 1000 Genomes Project 30x 0.01562.
gnomAD v4.1: 4,871 of 1,580,814 alleles (0.31%); highest among the groups gnomAD compares: African/African-American, 2.7%; 54 homozygotes.

Submissions (13):

Labcorp Genetics (formerly Invitae), Labcorp
Classification: Benign. Last evaluated: 2026-02-04. Review status: criteria provided, single submitter. Criteria: Invitae Variant Classification Sherloc (09022015). Collection method: clinical testing. Allele origin: germline.

ARUP Laboratories, Molecular Genetics and Genomics, ARUP Laboratories
Classification: Benign. Last evaluated: 2025-04-03. Review status: criteria provided, single submitter. Criteria: ARUP Molecular Germline Variant Investigation Process 2024. Collection method: clinical testing. Allele origin: germline.

Blueprint Genetics
Classification: Benign. Last evaluated: 2024-11-27. Review status: criteria provided, single submitter. Criteria: ACMG Guidelines, 2015. Collection method: clinical testing. Allele origin: germline.

Athena Diagnostics
Classification: Benign. Last evaluated: 2024-04-10. Review status: criteria provided, single submitter. Criteria: Athena Diagnostics Criteria. Collection method: clinical testing. Allele origin: unknown.

GeneDx
Classification: Benign. Last evaluated: 2020-03-03. Review status: criteria provided, single submitter. Criteria: GeneDx Variant Classification Process June 2021. Collection method: clinical testing. Allele origin: germline. Affected: yes.
Comment: This variant is associated with the following publications: (PMID: 16429405)

Illumina Laboratory Services, Illumina
Classification: Benign for Diabetes mellitus, transient neonatal, 2. Last evaluated: 2018-01-13. Review status: criteria provided, single submitter. Criteria: ICSL Variant Classification Criteria 13 December 2019. Collection method: clinical testing. Allele origin: germline.
Comment: This variant was observed in the ICSL laboratory as part of a predisposition screen in an ostensibly healthy population. It had not been previously curated by ICSL or reported in the Human Gene Mutation Database (HGMD: prior to June 1st, 2018), and was therefore a candidate for classification through an automated scoring system. Utilizing variant allele frequency, disease prevalence and penetrance estimates, and inheritance mode, an automated score was calculated to assess if this variant is too frequent to cause the disease. Based on the score and internal cut-off values, a variant classified as benign is not then subjected to further curation. The score for this variant resulted in a classification of benign for this disease.

Illumina Laboratory Services, Illumina
Classification: Likely benign for Hyperinsulinemic hypoglycemia, familial, 1. Last evaluated: 2018-01-13. Review status: criteria provided, single submitter. Criteria: ICSL Variant Classification Criteria 13 December 2019. Collection method: clinical testing. Allele origin: germline.
Comment: This variant was observed in the ICSL laboratory as part of a predisposition screen in an ostensibly healthy population. It had not been previously curated by ICSL or reported in the Human Gene Mutation Database (HGMD: prior to June 1st, 2018), and was therefore a candidate for classification through an automated scoring system. Utilizing variant allele frequency, disease prevalence and penetrance estimates, and inheritance mode, an automated score was calculated to assess if this variant is too frequent to cause the disease. Based on the score and internal cut-off values, a variant classified as likely benign is not then subjected to further curation. The score for this variant resulted in a classification of likely benign for this disease.

Illumina Laboratory Services, Illumina
Classification: Benign for Permanent neonatal diabetes mellitus 1. Last evaluated: 2018-01-13. Review status: criteria provided, single submitter. Criteria: ICSL Variant Classification Criteria 13 December 2019. Collection method: clinical testing. Allele origin: germline.
Comment: the same text as in the submission from Illumina Laboratory Services, Illumina above.

Genetic Services Laboratory, University of Chicago
Classification: Likely benign. Last evaluated: 2013-10-29. Review status: criteria provided, single submitter. Criteria: ACMG Guidelines, 2007. Collection method: clinical testing. Allele origin: germline. Inheritance: Autosomal unknown.
Comment: Likely benign based on allele frequency in 1000 Genomes Project or ESP global frequency and its presence in a patient with a rare or unrelated disease phenotype. NOT Sanger confirmed

Clinical Genomics, Uppaluri K&H Personalized Medicine Clinic
Classification: Uncertain significance for Maturity-onset diabetes of the young. Review status: criteria provided, single submitter. Criteria: K & H Uppaluri Personalized Medicine Clinic Variant Classification & Assertion Criteria_Updated V.1. Collection method: research. Allele origin: unknown. Inheritance: Somatic mutation.
Comment: Mutations in ABCC8 gene are associated with both neonatal diabetes mellitus as well as MODY. Patients with this mutation may have a better response to sulfonylureas. However, no sufficient evidence is found to ascertain the role of this particular variant ( rs116132921) in MODY yet.

Clinical Genomics, Uppaluri K&H Personalized Medicine Clinic
Classification: Uncertain significance for Transitory neonatal diabetes mellitus. Review status: criteria provided, single submitter. Criteria: K & H Uppaluri Personalized Medicine Clinic Variant Classification & Assertion Criteria_Updated V.1. Collection method: research. Allele origin: unknown.
Comment: Mutations in ABCC8 gene are associated with both neonatal diabetes mellitus as well as MODY. Patients with this mutation may have a better response to sulfonylureas. However, no sufficient evidence is found to ascertain the role of this particular variant ( rs116132921) in neonatal diabetes yet.

PreventionGenetics, part of Exact Sciences
Classification: Benign. Review status: criteria provided, single submitter. Criteria: ACMG Guidelines, 2015. Collection method: clinical testing. Allele origin: germline.

Natera, Inc.
Classification: Benign for Hereditary hyperinsulinism. Last evaluated: 2020-09-16. Review status: no assertion criteria provided. Collection method: clinical testing. Allele origin: germline. Not counted in ClinVar's aggregate classification.

Literature cited by the submitters: PubMed 16429405 (cited by Athena Diagnostics); PubMed 16885549 (cited by Clinical Genomics, Uppaluri K&H Personalized Medicine Clinic); PubMed 21989597 (cited by Clinical Genomics, Uppaluri K&H Personalized Medicine Clinic); PubMed 27538677 (cited by Clinical Genomics, Uppaluri K&H Personalized Medicine Clinic); PubMed 18981553 (cited by Clinical Genomics, Uppaluri K&H Personalized Medicine Clinic); PubMed 32027066 (cited by Clinical Genomics, Uppaluri K&H Personalized Medicine Clinic); PubMed 16613899 (cited by Clinical Genomics, Uppaluri K&H Personalized Medicine Clinic); PubMed 18025408 (cited by Clinical Genomics, Uppaluri K&H Personalized Medicine Clinic); PubMed 32792356 (cited by Clinical Genomics, Uppaluri K&H Personalized Medicine Clinic).

NM_000352.6(ABCC8):c.423G>A (p.Val141=)

Gene: ABCC8 (ATP binding cassette subfamily C member 8; minus strand). Cytogenetic location: 11p15.1.
Variant type: single nucleotide variant.
Coding change: c.423G>A on transcript NM_000352.6 (MANE Select); coding-DNA position 423, G replaced by A.
Protein change: p.Val141=; no amino-acid change (valine 141 retained).
Molecular consequence: synonymous variant. On other transcripts: non-coding transcript variant (1).
Genome position (GRCh38, 1-based): chr11:17,463,594, C>T on the plus strand (G>A on the coding strand, the complement: ABCC8 is on the minus strand). VCF-style: chr11-17463594-C-T. GRCh37 (hg19) VCF-style: chr11-17485141-C-T.
Other names: c.423G>A, p.Val141= (NM_001287174.3, NM_001351295.2, NM_001351296.2 and 1 more transcripts).
Identifiers: ClinVar variation 157702 (VCV000157702.31), dbSNP rs116132921, ClinGen allele CA171082.